The following is an entry in ClinVar:

NM_004187.5(KDM5C):c.3965_3985del (p.Glu1322_Pro1328del)

Gene: KDM5C (lysine demethylase 5C; minus strand). Cytogenetic location: Xp11.22.
Variant type: Deletion.
Coding change: c.3965_3985del on transcript NM_004187.5 (MANE Select); coding-DNA positions 3965 to 3985, 21 bases deleted (AGGAGCCTCCTAACTACCCTG).
Protein change: p.Glu1322_Pro1328del.
Molecular consequence: inframe deletion. On other transcripts: non-coding transcript variant (3).
Genome position (GRCh38, 1-based): chrX:53,194,192-53,194,212, CAGGGTAGTTAGGAGGCTCCT deleted on the plus strand (AGGAGCCTCCTAACTACCCTG on the coding strand, the reverse complement: KDM5C is on the minus strand); deleting any 21 consecutive bases within chrX:53,194,192-53,194,216 gives the same sequence; the c. name uses the placement nearest the transcript's 3' end. VCF-style (leftmost placement, unchanged base first): chrX-53194191-GCAGGGTAGTTAGGAGGCTCCT-G. GRCh37 (hg19) VCF-style: chrX-53223373-GCAGGGTAGTTAGGAGGCTCCT-G.
Other names: c.3764_3784del, p.Glu1255_Pro1261del (NM_001146702.2); c.3962_3982del, p.Glu1321_Pro1327del (NM_001282622.3, NM_001353979.2, NM_001353982.2); c.3965_3985del, p.Glu1322_Pro1328del (NM_001353978.3, NM_001353981.2, NM_001353984.2).
Identifiers: ClinVar variation 1303139 (VCV001303139.3), dbSNP rs2146819410, ClinGen allele CA2573055353.

ClinVar aggregate classification (germline): Uncertain significance. Review status: criteria provided, multiple submitters, no conflicts (2 of 4 stars). 2 submissions from 2 submitters: Uncertain significance (2). Last evaluated 2023-01-24.

Conditions:
Intellectual developmental disorder, X-linked, syndromic, Claes-Jensen type. Also called: INTELLECTUAL DEVELOPMENTAL DISORDER, X-LINKED, SYNDROMIC 16; MENTAL RETARDATION, X-LINKED, SYNDROMIC 16; Syndromic X-linked intellectual disability Claes-Jensen type. Identifiers: Orphanet 85279, MedGen C1845243, MONDO:0010355, OMIM 300534.

Submissions (2):

Baylor Genetics
Classification: Uncertain significance for Intellectual developmental disorder, X-linked, syndromic, Claes-Jensen type. Last evaluated: 2023-01-24. Review status: criteria provided, single submitter. Criteria: ACMG Guidelines, 2015. Collection method: clinical testing. Allele origin: unknown.

GeneDx
Classification: Uncertain significance. Last evaluated: 2019-12-17. Review status: criteria provided, single submitter. Criteria: GeneDx Variant Classification Process June 2021. Collection method: clinical testing. Allele origin: germline. Affected: yes.
Comment: Not observed in large population cohorts (Lek et al., 2016); In-frame deletion of 7 amino acids in a non-repeat region; In silico analysis, which includes protein predictors and evolutionary conservation, supports a deleterious effect; Has not been previously published as pathogenic or benign to our knowledge